The following is an entry in ClinVar:

ClinVar aggregate classification (germline): Uncertain significance (1 of 4 stars; one submission).

Conditions:
Diffuse cerebral and cerebellar atrophy - intractable seizures - progressive microcephaly syndrome. Also called: Microcephaly, progressive, with seizures and cerebral and cerebellar atrophy. Identifiers: Orphanet 404437, MedGen C4014239, MONDO:0014335, OMIM 615760.

Allele frequency attached by ClinVar (database versions not stated): gnomAD exomes below 0.00001; ExAC 0.00001; gnomAD 0.00001; TOPMed 0.00001; ESP Exome Variant Server 0.00008.

Submission:

Labcorp Genetics (formerly Invitae), Labcorp
Classification: Uncertain significance for Diffuse cerebral and cerebellar atrophy - intractable seizures - progressive microcephaly syndrome. Last evaluated: 2021-04-10. Review status: criteria provided, single submitter. Criteria: Invitae Variant Classification Sherloc (09022015). Collection method: clinical testing. Allele origin: germline.
Comment: In summary, the available evidence is currently insufficient to determine the role of this variant in disease. Therefore, it has been classified as a Variant of Uncertain Significance. Algorithms developed to predict the effect of missense changes on protein structure and function are either unavailable or do not agree on the potential impact of this missense change (SIFT: "Deleterious"; PolyPhen-2: "Benign"; Align-GVGD: "Class C0"). This variant has not been reported in the literature in individuals with QARS-related conditions. This variant is present in population databases (rs371410194, ExAC 0.002%). This sequence change replaces threonine with isoleucine at codon 52 of the QARS protein (p.Thr52Ile). The threonine residue is highly conserved and there is a moderate physicochemical difference between threonine and isoleucine.

NM_005051.3(QARS1):c.155C>T (p.Thr52Ile)

Gene: QARS1 (glutaminyl-tRNA synthetase 1; minus strand). Cytogenetic location: 3p21.31.
Variant type: single nucleotide variant.
Coding change: c.155C>T on transcript NM_005051.3 (MANE Select); coding-DNA position 155, C replaced by T.
Protein change: p.Thr52Ile; replaces threonine 52 with isoleucine.
Molecular consequence: missense variant. On other transcripts: non-coding transcript variant (1).
Genome position (GRCh38, 1-based): chr3:49,104,434, G>A on the plus strand (C>T on the coding strand, the complement: QARS1 is on the minus strand). VCF-style: chr3-49104434-G-A. GRCh37 (hg19) VCF-style: chr3-49141867-G-A.
Other names: c.155C>T, p.Thr52Ile (NM_001272073.2); short protein forms T52I.
Identifiers: ClinVar variation 1481508 (VCV001481508.8), dbSNP rs371410194, ClinGen allele CA2392284.
Genomic context (GRCh38, chr3:49,104,434, plus strand): 5'-AGGAAGGAGAGACGCCGGGTATCCCTGAGTCGGGAGGCCAAGCCATATAACAGGATCCCG[G>A]TAGCTTTGTCAATGGTGGAACCCAGGGTCTGCTGAGCCTGAGGTCAGAGGGGTCAAGAGA-3'
Protein context (NP_005042.1, residues 42-62): QTLGSTIDKA[Thr52Ile]GILLYGLASR